The following is an entry in ClinVar:

ClinVar aggregate classification (germline): Pathogenic (1 of 4 stars; one submission).

Conditions:
X-linked Alport syndrome (ATS1). Also called: COL4A5-Related Nephropathy; NEPHROPATHY AND DEAFNESS, X-LINKED. Identifiers: Orphanet 63, Orphanet 88917, MedGen C4746986, MONDO:0010520, OMIM 301050.

Submission:

Myriad Genetics, Inc.
Classification: Pathogenic for X-linked Alport syndrome. Last evaluated: 2024-03-10. Review status: criteria provided, single submitter. Criteria: Myriad Autosomal Dominant, Autosomal Recessive and X-Linked Classification Criteria (2023). Collection method: clinical testing. Allele origin: unknown.
Comment: NM_000495.4(COL4A5):c.3684delC(H1228Qfs*71) is expected to be pathogenic in the context of X-linked Alport syndrome. This variant is predicted to lead to an abnormal or absent protein product due to the creation of a premature termination codon in COL4A5, a gene where loss-of-function variants are known to be pathogenic. Please note: this variant was assessed in the context of healthy population screening.

NM_033380.3(COL4A5):c.3684del (p.His1228fs)

Gene: COL4A5 (collagen type IV alpha 5 chain; plus strand). Cytogenetic location: Xq22.3.
Variant type: Deletion.
Coding change: c.3684del on transcript NM_033380.3 (MANE Select); coding-DNA position 3684, one base deleted (C; older notation c.3684delC).
Protein change: p.His1228fs; shifts the reading frame from histidine 1228.
Molecular consequence: frameshift variant.
Genome position (GRCh38, 1-based): chrX:108,668,398, C deleted. VCF-style (leftmost placement, unchanged base first): chrX-108668397-AC-A. GRCh37 (hg19) VCF-style: chrX-107911627-AC-A.
Other names: c.3684del, p.His1228fs (NM_000495.5); short protein forms H1228fs.
Identifiers: ClinVar variation 5012812 (VCV005012812.1).
Genomic context (GRCh38, chrX:108,668,397, plus strand): 5'-GATTACCTGGGATTCCAGGAAATCCTGGCCTTCCAGGTCCAAAGGGCGAACCAGGCTTTC[AC>A]GGTTTCCCTGGTGTGCAGGGTCCCCCAGGCCCTCCTGGTTCTCCGGGTCCAGCTCTGGAA-3'